The following is an entry in ClinVar:

NM_001281740.3(FHOD3):c.2341G>A (p.Glu781Lys)

Gene: FHOD3 (formin homology 2 domain containing 3; plus strand). Cytogenetic location: 18q12.2.
Variant type: single nucleotide variant.
Coding change: c.2341G>A on transcript NM_001281740.3 (MANE Select); coding-DNA position 2341, G replaced by A.
Protein change: p.Glu781Lys; replaces glutamic acid 781 with lysine.
Molecular consequence: missense variant.
Genome position (GRCh38, 1-based): chr18:36,709,199, G>A. VCF-style: chr18-36709199-G-A. GRCh37 (hg19) VCF-style: chr18-34289162-G-A.
Other names: c.2341G>A (NM_001281740.2); c.1765G>A, p.Glu589Lys (NM_001281739.3); c.1816G>A, p.Glu606Lys (NM_025135.5); short protein forms E606K, E589K, E781K.
Identifiers: ClinVar variation 2400058 (VCV002400058.4), dbSNP rs373252776, ClinGen allele CA8941846.
Genomic context (GRCh38, chr18:36,709,199, plus strand): 5'-GCAGAGGCAGGGGCGGGGCAGGTTGCTGATGAAGCTGGCCAGGACATAGCCTCTGCCCAC[G>A]AGGGTGCAGAGACTGAAGTGGAGCAGGCACTAGAGCAAGAGCCGGAAGAAAGAGCCTCCC-3'
Protein context (NP_001268669.1, residues 771-791): EAGQDIASAH[Glu781Lys]GAETEVEQAL

ClinVar aggregate classification (germline): Conflicting classifications of pathogenicity. Review status: criteria provided, conflicting classifications (1 of 4 stars). 3 submissions from 3 submitters: Uncertain significance (2); Likely benign (1). Last evaluated 2026-02-11.

Conditions:
Inborn genetic diseases. Identifiers: MedGen C0950123, MeSH D030342.
FHOD3-related disorder. Also called: FHOD3-related condition.

Allele frequency attached by ClinVar (database versions not stated): ExAC 0.00002; gnomAD 0.00006; ESP Exome Variant Server 0.00015.
gnomAD v4.1: 93 of 1,614,094 alleles (0.0058%); highest among the groups gnomAD compares: Admixed American, 0.0083%; no homozygotes.

Submissions (3):

PreventionGenetics, part of Exact Sciences
Classification: Uncertain significance for FHOD3-related condition. Last evaluated: 2026-02-11. Review status: criteria provided, single submitter. Criteria: ACMG Guidelines, 2015. Collection method: clinical testing. Allele origin: germline.
Comment: The FHOD3 c.2341G>A variant is predicted to result in the amino acid substitution p.Glu781Lys. This variant has been reported as uncertain in an individual with unexplained cardiac arrest (Supplementary Table 5, Grondin et al. 2022. PubMed ID: 35352813). This variant is reported in 0.0085% of alleles in individuals of Latino descent in gnomAD and is interpreted as uncertain in ClinVar (Variation ID: 2400058). At this time, the clinical significance of this variant is uncertain due to the absence of conclusive functional and genetic evidence.

Blueprint Genetics
Classification: Likely benign. Last evaluated: 2023-07-27. Review status: criteria provided, single submitter. Criteria: ACMG Guidelines, 2015. Collection method: clinical testing. Allele origin: germline.

Ambry Genetics
Classification: Uncertain significance for Inborn genetic diseases. Last evaluated: 2022-01-21. Review status: criteria provided, single submitter. Criteria: Ambry Variant Classification Scheme 2023. Collection method: clinical testing. Allele origin: germline.